The following is an entry in ClinVar:

NM_007294.4(BRCA1):c.557C>A (p.Ser186Tyr)

Gene: BRCA1 (BRCA1 DNA repair associated; minus strand). Cytogenetic location: 17q21.31.
Variant type: single nucleotide variant.
Coding change: c.557C>A on transcript NM_007294.4 (MANE Select); coding-DNA position 557, C replaced by A.
Protein change: p.Ser186Tyr; replaces serine 186 with tyrosine.
Molecular consequence: missense variant. On other transcripts: non-coding transcript variant (1).
Genome position (GRCh38, 1-based): chr17:43,097,280, G>T on the plus strand (C>A on the coding strand, the complement: BRCA1 is on the minus strand). VCF-style: chr17-43097280-G-T. GRCh37 (hg19) VCF-style: chr17-41249297-G-T.
Other names: p.S186Y:TCT>TAT; 676C>A; NP_009225.1:p.Ser186Tyr; c.554C>A, p.Ser185Tyr (NM_001407632.1, NM_001407633.1, NM_001407634.1 and 41 more transcripts); c.557C>A, p.Ser186Tyr (NM_001407639.1, NM_001407640.1, NM_001407641.1 and 59 more transcripts); c.548C>A, p.Ser183Tyr (NM_001407646.1, NM_001407647.1, NM_001408408.1); c.479C>A, p.Ser160Tyr (NM_001407653.1, NM_001407654.1, NM_001407655.1 and 9 more transcripts); c.476C>A, p.Ser159Tyr (NM_001407659.1, NM_001407660.1, NM_001407661.1 and 3 more transcripts); and 7 more; short protein forms S186Y, S139Y, S183Y, S115Y, S185Y, S59Y, S116Y, S160Y.
Identifiers: ClinVar variation 55635 (VCV000055635.119), dbSNP rs55688530, ClinGen allele CA003732.

ClinVar aggregate classification (germline): Benign. Review status: reviewed by expert panel (3 of 4 stars). 37 submissions from 37 submitters: Benign (1). 36 of the submissions do not count toward it. Last evaluated 2015-08-10.

Conditions:
Inherited breast cancer and ovarian cancer.
Hereditary cancer-predisposing syndrome. Also called: Hereditary Cancer Syndrome; Tumor predisposition; Neoplastic Syndromes, Hereditary; Hereditary neoplastic syndrome. Identifiers: Orphanet 140162, MedGen C0027672, MeSH D009386, MONDO:0015356.
Breast and/or ovarian cancer. Identifiers: MedGen CN221562.
Hereditary breast ovarian cancer syndrome. Also called: Breast and ovarian cancer; BRCA1- and BRCA2-Associated Hereditary Breast and Ovarian Cancer; Hereditary breast and ovarian cancer; Hereditary breast and ovarian cancer syndrome (HBOC); Hereditary breast and ovarian cancer syndrome; Hereditary breast and/or ovarian cancer syndrome. Identifiers: Orphanet 145, MedGen C0677776, MeSH D061325, MONDO:0003582. Disease mechanism: loss of function.
Breast-ovarian cancer, familial, susceptibility to, 1 (BROVCA1). Also called: BRCA1 Hereditary Breast and Ovarian Cancer; OVARIAN CANCER, SUSCEPTIBILITY TO. Identifiers: Orphanet 145, MedGen C2676676, MONDO:0011450, OMIM 604370. Disease mechanism: loss of function.
Familial cancer of breast. Also called: BREAST CANCER, FAMILIAL; hereditary breast carcinoma; Hereditary breast cancer. Identifiers: Orphanet 227535, MedGen C0346153, MONDO:0016419, OMIM 114480. Disease mechanism: loss of function.
Malignant tumor of breast. Also called: Malignant breast neoplasm; Cancer breast. Identifiers: MedGen C0006142, MONDO:0007254. Disease mechanism: loss of function.

Allele frequency attached by ClinVar (database versions not stated): ESP Exome Variant Server 0.00231; 1000 Genomes Project 30x 0.00250; gnomAD 0.00275 and 0.00301; 1000 Genomes Project 0.00300; TOPMed 0.00310; gnomAD exomes 0.00024 and 0.00069; ExAC 0.00094.
gnomAD v4.1: 790 of 1,613,484 alleles (0.049%); highest among the groups gnomAD compares: African/African-American, 0.91%; 5 homozygotes.

Submissions 1 to 20 of 37:

Evidence-based Network for the Interpretation of Germline Mutant Alleles (ENIGMA)
Classification: Benign for Breast-ovarian cancer, familial 1. Last evaluated: 2015-08-10. Review status: reviewed by expert panel. Criteria: ENIGMA BRCA1/2 Classification Criteria (2015). Collection method: curation. Allele origin: germline.
Comment: IARC class based on posterior probability from multifactorial likelihood analysis, thresholds for class as per Plon et al. 2008 (PMID: 18951446). Class 1 based on posterior probability = 0.00000000000782. Also class 1 based on frequency >1% in an outbred sampleset. Frequency 0.01423 (African), derived from 1000 genomes (2012-04-30).

Labcorp Genetics (formerly Invitae), Labcorp
Classification: Benign for Hereditary breast ovarian cancer syndrome. Last evaluated: 2026-02-04. Review status: criteria provided, single submitter. Criteria: Invitae Variant Classification Sherloc (09022015). Collection method: clinical testing. Allele origin: germline. Not counted in ClinVar's aggregate classification.

Cambridge Genomics Laboratory, East Genomic Laboratory Hub, NHS Genomic Medicine Service
Classification: Benign for Inherited breast cancer and ovarian cancer. Last evaluated: 2026-01-12. Review status: criteria provided, single submitter. Criteria: ACGS Best Practice Guidelines for Variant Classification in Rare Disease 2020. Collection method: clinical testing. Allele origin: germline. Affected: yes. Not counted in ClinVar's aggregate classification.
Comment: PP3,BS3_Strong,BS1_Strong,BP1,BP5_Very Strong

CeGaT Center for Human Genetics Tuebingen
Classification: Likely benign. Last evaluated: 2025-11-01. Review status: criteria provided, single submitter. Criteria: CeGaT Center For Human Genetics Tuebingen Variant Classification Criteria Version 2. Collection method: clinical testing. Allele origin: germline. Affected: yes. Observed: 5 variant alleles. Not counted in ClinVar's aggregate classification.
Comment: BRCA1: PM5, BS2

Center for Genomic Medicine, Rigshospitalet, Copenhagen University Hospital
Classification: Benign. Last evaluated: 2025-03-04. Review status: criteria provided, single submitter. Criteria: ACMG Guidelines, 2015. Collection method: clinical testing. Allele origin: germline. Not counted in ClinVar's aggregate classification.

ARUP Laboratories, Molecular Genetics and Genomics, ARUP Laboratories
Classification: Benign. Last evaluated: 2025-02-18. Review status: criteria provided, single submitter. Criteria: ARUP Molecular Germline Variant Investigation Process 2024. Collection method: clinical testing. Allele origin: germline. Not counted in ClinVar's aggregate classification.

Blueprint Genetics
Classification: Likely benign. Last evaluated: 2024-10-18. Review status: criteria provided, single submitter. Criteria: ACMG Guidelines, 2015. Collection method: clinical testing. Allele origin: germline. Not counted in ClinVar's aggregate classification.

All of Us Research Program, National Institutes of Health
Classification: Benign for Breast-ovarian cancer, familial, susceptibility to, 1. Last evaluated: 2024-02-05. Review status: criteria provided, single submitter. Criteria: ACMG Guidelines, 2015. Collection method: clinical testing. Allele origin: germline. Inheritance: Autosomal dominant inheritance. Observed: 133 variant alleles, 130 heterozygotes, 3 homozygotes. Not counted in ClinVar's aggregate classification.
Comment: This study involves interpretation of variants in research participants for the purpose of population health screening. Participant phenotype was not available at the time of variant classification. Additional details can be found in publication PMID: 35346344, PMCID: PMC8962531

KCCC/NGS Laboratory, Kuwait Cancer Control Center
Classification: Benign for Breast-ovarian cancer, familial, susceptibility to, 1. Last evaluated: 2023-07-07. Review status: criteria provided, single submitter. Criteria: ACMG Guidelines, 2015. Collection method: clinical testing. Allele origin: germline. Affected: yes. Not counted in ClinVar's aggregate classification.

CHEO Genetics Diagnostic Laboratory, Children's Hospital of Eastern Ontario
Classification: Likely benign for Breast and/or ovarian cancer. Last evaluated: 2023-01-03. Review status: criteria provided, single submitter. Criteria: ACMG Guidelines, 2015. Collection method: clinical testing. Allele origin: germline. Not counted in ClinVar's aggregate classification.

National Health Laboratory Service, Universitas Academic Hospital and University of the Free State
Classification: Benign for Hereditary breast ovarian cancer syndrome. Last evaluated: 2022-04-19. Review status: criteria provided, single submitter. Criteria: ACMG Guidelines, 2015. Collection method: clinical testing. Allele origin: germline. Affected: yes. Observed: 12 variant alleles. Not counted in ClinVar's aggregate classification.

Genetics Program, Instituto Nacional de Cancer
Classification: Benign for Hereditary breast ovarian cancer syndrome. Last evaluated: 2021-11-01. Review status: criteria provided, single submitter. Criteria: ACMG Guidelines, 2015. Collection method: research. Allele origin: germline. Affected: yes. Not counted in ClinVar's aggregate classification.

Genetic Services Laboratory, University of Chicago
Classification: Benign. Last evaluated: 2021-08-24. Review status: criteria provided, single submitter. Criteria: ACMG Guidelines, 2015. Collection method: clinical testing. Allele origin: germline. Affected: no. Not counted in ClinVar's aggregate classification.

Sema4
Classification: Likely benign for Hereditary cancer-predisposing syndrome. Last evaluated: 2021-03-22. Review status: criteria provided, single submitter. Criteria: Sema4 Curation Guidelines. Collection method: curation. Allele origin: germline. Not counted in ClinVar's aggregate classification.

Mendelics
Classification: Benign for Breast-ovarian cancer, familial, susceptibility to, 1. Last evaluated: 2019-05-28. Review status: criteria provided, single submitter. Criteria: Mendelics Assertion Criteria 2017. Collection method: clinical testing. Allele origin: unknown. Not counted in ClinVar's aggregate classification.

GeneDx
Classification: Benign. Last evaluated: 2018-11-07. Review status: criteria provided, single submitter. Criteria: GeneDx Variant Classification Process June 2021. Collection method: clinical testing. Allele origin: germline. Affected: yes. Not counted in ClinVar's aggregate classification.
Comment: This variant is associated with the following publications: (PMID: 17924331, 16014699, 24055113, 25637381, 21990134, 22505045, 21673748, 26332594, 24728327, 19298662, 15726418, 11030417, 23867111, 17333343, 29356034, 33087888)

Baylor Genetics
Classification: Benign for Familial cancer of breast. Last evaluated: 2017-02-23. Review status: criteria provided, single submitter. Criteria: ACMG Guidelines, 2015. Collection method: clinical testing. Allele origin: germline. Inheritance: Autosomal dominant inheritance. Affected: no. Not counted in ClinVar's aggregate classification.

Vantari Genetics
Classification: Likely benign for Hereditary cancer-predisposing syndrome. Last evaluated: 2016-02-04. Review status: criteria provided, single submitter. Criteria: ACMG Guidelines, 2015. Collection method: clinical testing. Allele origin: germline. Not counted in ClinVar's aggregate classification.

Genomic Diagnostic Laboratory, Division of Genomic Diagnostics, Children's Hospital of Philadelphia
Classification: Uncertain significance for Hereditary Breast and Ovarian Cancer. Last evaluated: 2015-09-24. Review status: criteria provided, single submitter. Criteria: DGD Variant Analysis Guidelines. Collection method: clinical testing. Allele origin: unknown. Not counted in ClinVar's aggregate classification.

Center for Pediatric Genomic Medicine, Children's Mercy Hospital and Clinics
Classification: Uncertain significance. Last evaluated: 2015-08-24. Review status: criteria provided, single submitter. Criteria: ACMG Guidelines, 2015. Collection method: clinical testing. Allele origin: germline. Not counted in ClinVar's aggregate classification.
ClinVar note: Converted during submission from Uncertain Significance to Uncertain significance.